The following is an entry in ClinVar:

NM_000138.5(FBN1):c.6752G>A (p.Cys2251Tyr)

Gene: FBN1 (fibrillin 1; minus strand). Cytogenetic location: 15q21.1.
Variant type: single nucleotide variant.
Coding change: c.6752G>A on transcript NM_000138.5 (MANE Select); coding-DNA position 6752, G replaced by A.
Protein change: p.Cys2251Tyr; replaces cysteine 2251 with tyrosine.
Molecular consequence: missense variant.
Genome position (GRCh38, 1-based): chr15:48,430,790, C>T on the plus strand (G>A on the coding strand, the complement: FBN1 is on the minus strand). VCF-style: chr15-48430790-C-T. GRCh37 (hg19) VCF-style: chr15-48722987-C-T.
Other names: p.C2251Y:TGT>TAT; short protein forms C2251Y.
Identifiers: ClinVar variation 200093 (VCV000200093.10), dbSNP rs794728256, ClinGen allele CA016730.
Genomic context (GRCh38, chr15:48,430,790, plus strand): 5'-GTGCCAATGAGGTTCTTGCATTCCATTTGTTTTTCAGTACAGTCATGTTTTCCCTCTTCA[C>T]ACTCATCCTCATCTGTAAAAAATGTACAATCACAAATTTGTCAAAGAAAATGCATATATC-3'
Protein context (NP_000129.3, residues 2241-2261): DRRMCKDEDE[Cys2251Tyr]EEGKHDCTEK

ClinVar aggregate classification (germline): Pathogenic/Likely pathogenic. Review status: criteria provided, multiple submitters, no conflicts (2 of 4 stars). 2 submissions from 2 submitters: Pathogenic (1); Likely pathogenic (1). Last evaluated 2020-09-24.

Conditions:
Marfan syndrome (MFS). Also called: Marfan syndrome, classic; FBN1-Related Marfan Syndrome; Marfan syndrome type 1; Marfan's syndrome; MARFAN SYNDROME, TYPE I. Identifiers: Orphanet 284963, Orphanet 558, MedGen C0024796, MONDO:0007947, OMIM 154700.
Familial thoracic aortic aneurysm and aortic dissection (TAAD). Also called: Thoracic aortic aneurysms and dissections. Identifiers: Orphanet 91387, MedGen C4707243, MONDO:0019625.

Submissions (2):

Labcorp Genetics (formerly Invitae), Labcorp
Classification: Likely pathogenic for Marfan syndrome; Familial thoracic aortic aneurysm and aortic dissection. Last evaluated: 2020-09-24. Review status: criteria provided, single submitter. Criteria: Invitae Variant Classification Sherloc (09022015). Collection method: clinical testing. Allele origin: germline.
Comment: In summary, the currently available evidence indicates that the variant is pathogenic, but additional data are needed to prove that conclusively. Therefore, this variant has been classified as Likely Pathogenic. This variant disrupts the p.Cys2251 amino acid residue in FBN1. Other variant(s) that disrupt this residue have been observed in individuals with FBN1-related conditions (PMID: 12402346, Invitae), which suggests that this may be a clinically significant amino acid residue. This variant affects a cysteine residue in the EGF-like, TGFBP or hybrid motif domains of FBN1. Cysteine residues are believed to be involved in intramolecular disulfide bridges and have been shown to be important for FBN1 protein structure (PMID: 16905551, 19349279). In addition, missense substitutions affecting cysteine residues within these domains are significantly overrepresented among patients with Marfan syndrome (PMID: 16571647, 17701892). This variant has not been reported in the literature in individuals with FBN1-related conditions. ClinVar contains an entry for this variant (Variation ID: 200093). This variant is not present in population databases (ExAC no frequency). This sequence change replaces cysteine with tyrosine at codon 2251 of the FBN1 protein (p.Cys2251Tyr). The cysteine residue is highly conserved and there is a large physicochemical difference between cysteine and tyrosine.

GeneDx
Classification: Pathogenic. Last evaluated: 2014-08-13. Review status: criteria provided, single submitter. Criteria: GeneDx Variant Classification (06012015). Collection method: clinical testing. Allele origin: germline. Affected: yes.
Comment: p.Cys2251Tyr (TGT>TAT): c.6752 G>A in exon 56 of the FBN1 gene (NM_000138.4)While the C2251Y mutation in the FBN1 gene has not been reported to our knowledge, mutations affecting this same residue (C2251R, C2251S) have been reported in association with Marfan syndrome (Yuan et al., 1999; Rommel et al., 2002). Additionally, mutations in nearby residues (E2250G, C2258R, C2258Y) have been reported in association with Marfan syndrome, further supporting the functional importance of this residue and this region of the protein. Cys2251 resides at a position that is conserved across species. In silico analysis predicts C2251Y is damaging to the protein structure/function. Furthermore, C2251Y was not observed in approximately 6,500 individuals of European and African American ancestry in the NHLBI Exome Sequencing Project, indicating it is not a common benign variant in these populations. In summary, C2251Y in the FBN1 gene is interpreted as a likely disease-causing mutation. The variant is found in TAAD panel(s).

Literature cited by the submitters: PubMed 12402346 (cited by Labcorp Genetics (formerly Invitae), Labcorp); PubMed 16905551 (cited by Labcorp Genetics (formerly Invitae), Labcorp); PubMed 19349279 (cited by Labcorp Genetics (formerly Invitae), Labcorp); PubMed 16571647 (cited by Labcorp Genetics (formerly Invitae), Labcorp); PubMed 17701892 (cited by Labcorp Genetics (formerly Invitae), Labcorp).